The following is an entry in ClinVar:

ClinVar aggregate classification (germline): Uncertain significance. Review status: criteria provided, multiple submitters, no conflicts (2 of 4 stars). 4 submissions from 4 submitters: Uncertain significance (4). Last evaluated 2026-10-01.

Conditions:
Arrhythmogenic right ventricular dysplasia 11. Also called: Arrhythmogenic Right Ventricular Dysplasia/Cardiomyopathy11; ARRHYTHMOGENIC RIGHT VENTRICULAR DYSPLASIA, FAMILIAL, 11; Arrhythmogenic right ventricular dysplasia 11 with mild palmoplantar keratoderma and woolly hair. Identifiers: MedGen C1864850, MONDO:0012506, OMIM 610476.
Familial isolated arrhythmogenic right ventricular dysplasia. Identifiers: Orphanet 217656, MedGen C4274968, MONDO:0016342.
Cardiomyopathy (CMYO). Also called: Cardiomyopathies. Identifiers: Orphanet 167848, MedGen C0878544, MONDO:0004994, HP:0001638. Inheritance: Various modes of inheritance.

Allele frequency attached by ClinVar (database versions not stated): gnomAD 0.00003 and 0.00002; TOPMed 0.00002.
gnomAD v4.1: 3 of 1,613,830 alleles (0.00019%); highest among the groups gnomAD compares: African/African-American, 0.004%; no homozygotes.

Submissions (4):

GeneDx
Classification: Uncertain significance. Last evaluated: 2026-10-01. Review status: criteria provided, single submitter. Criteria: GeneDx Variant Classification Process June 2021. Collection method: clinical testing. Allele origin: germline.
Comment: In silico analysis supports that this missense variant has a deleterious effect on protein structure/function; Has not been previously published as pathogenic or benign to our knowledge

All of Us Research Program, National Institutes of Health
Classification: Uncertain significance for Familial isolated arrhythmogenic right ventricular dysplasia. Last evaluated: 2023-12-13. Review status: criteria provided, single submitter. Criteria: ACMG Guidelines, 2015. Collection method: clinical testing. Allele origin: germline. Inheritance: Autosomal dominant inheritance. Observed: 2 variant alleles, 2 heterozygotes.
Comment: This missense variant replaces glycine with aspartic acid at codon 605 of the DSC2 protein. Computational prediction suggests that this variant may not impact protein structure and function (internally defined REVEL score threshold <= 0.5, PMID: 27666373). To our knowledge, functional studies have not been reported for this variant. This variant has not been reported in individuals affected with DSC2-related disorders in the literature. This variant has been identified in 2/31376 chromosomes in the general population by the Genome Aggregation Database (gnomAD). The available evidence is insufficient to determine the role of this variant in disease conclusively. Therefore, this variant is classified as a Variant of Uncertain Significance.

This study involves interpretation of variants in research participants for the purpose of population health screening. Participant phenotype was not available at the time of variant classification. Additional details can be found in publication PMID: 35346344, PMCID: PMC8962531

Labcorp Genetics (formerly Invitae), Labcorp
Classification: Uncertain significance for Arrhythmogenic right ventricular dysplasia 11. Last evaluated: 2023-09-08. Review status: criteria provided, single submitter. Criteria: Invitae Variant Classification Sherloc (09022015). Collection method: clinical testing. Allele origin: germline.
Comment: This sequence change replaces glycine, which is neutral and non-polar, with aspartic acid, which is acidic and polar, at codon 605 of the DSC2 protein (p.Gly605Asp). This variant is present in population databases (no rsID available, gnomAD 0.02%). This variant has not been reported in the literature in individuals affected with DSC2-related conditions. ClinVar contains an entry for this variant (Variation ID: 647573). Advanced modeling of protein sequence and biophysical properties (such as structural, functional, and spatial information, amino acid conservation, physicochemical variation, residue mobility, and thermodynamic stability) performed at Invitae indicates that this missense variant is expected to disrupt DSC2 protein function. In summary, the available evidence is currently insufficient to determine the role of this variant in disease. Therefore, it has been classified as a Variant of Uncertain Significance.

Color Diagnostics, LLC DBA Color Health
Classification: Uncertain significance for Cardiomyopathy. Last evaluated: 2023-05-31. Review status: criteria provided, single submitter. Criteria: ACMG Guidelines, 2015. Collection method: clinical testing. Allele origin: germline.
Comment: This missense variant replaces glycine with aspartic acid at codon 605 of the DSC2 protein. Computational prediction suggests that this variant may not impact protein structure and function (internally defined REVEL score threshold <= 0.5, PMID: 27666373). To our knowledge, functional studies have not been reported for this variant. This variant has not been reported in individuals affected with DSC2-related disorders in the literature. This variant has been identified in 2/31376 chromosomes in the general population by the Genome Aggregation Database (gnomAD). The available evidence is insufficient to determine the role of this variant in disease conclusively. Therefore, this variant is classified as a Variant of Uncertain Significance.

NM_024422.6(DSC2):c.1814G>A (p.Gly605Asp)

Gene: DSC2 (desmocollin 2; minus strand). Cytogenetic location: 18q12.1.
Variant type: single nucleotide variant.
Coding change: c.1814G>A on transcript NM_024422.6 (MANE Select); coding-DNA position 1814, G replaced by A.
Protein change: p.Gly605Asp; replaces glycine 605 with aspartic acid.
Molecular consequence: missense variant.
Genome position (GRCh38, 1-based): chr18:31,074,757, C>T on the plus strand (G>A on the coding strand, the complement: DSC2 is on the minus strand). VCF-style: chr18-31074757-C-T. GRCh37 (hg19) VCF-style: chr18-28654723-C-T.
Other names: c.1814G>A (NM_024422.3); c.1814G>A, p.Gly605Asp (NM_004949.5); short protein forms G605D.
Identifiers: ClinVar variation 647573 (VCV000647573.14), dbSNP rs1342808624, ClinGen allele CA402113955.